The following is an entry in ClinVar:

NM_000277.3(PAH):c.228G>C (p.Glu76Asp)

Gene: PAH (phenylalanine hydroxylase; minus strand). Cytogenetic location: 12q23.2.
Variant type: single nucleotide variant.
Coding change: c.228G>C on transcript NM_000277.3 (MANE Select); coding-DNA position 228, G replaced by C.
Protein change: p.Glu76Asp; replaces glutamic acid 76 with aspartic acid.
Molecular consequence: missense variant.
Genome position (GRCh38, 1-based): chr12:102,894,859, C>G on the plus strand (G>C on the coding strand, the complement: PAH is on the minus strand). VCF-style: chr12-102894859-C-G. GRCh37 (hg19) VCF-style: chr12-103288637-C-G.
Other names: NM_001354304.2:c.228G>C; c.228G>C, p.Glu76Asp (NM_001354304.2); short protein forms E76D.
Identifiers: ClinVar variation 4540588 (VCV004540588.1).
Genomic context (GRCh38, chr12:102,894,859, plus strand): 5'-CTTGATGATGTTTGTCAGAGCAGGCAGGCTACGTTTATCCAAATGGGTGAAAAATTCATA[C>G]TCATCTTTCTTTAAACGAGAAGGTCTAGATTCAATGTGGGTCAGGTTTACATCATTCTCC-3'
Protein context (NP_000268.1, residues 66-86): ESRPSRLKKD[Glu76Asp]YEFFTHLDKR

ClinVar aggregate classification (germline): Uncertain significance (3 of 4 stars; one submission).

Conditions:
Phenylketonuria (PKU). Also called: FOLLING DISEASE; OLIGOPHRENIA PHENYLPYRUVICA; Phenylketonurias; Phenylketonuria (PKU). Identifiers: Orphanet 716, MedGen C0031485, MONDO:0009861, OMIM 261600. Disease mechanism: loss of function.

Submission:

ClinGen PAH Variant Curation Expert Panel
Classification: Uncertain significance for Phenylketonuria. Last evaluated: 2025-10-12. Review status: reviewed by expert panel. Criteria: ClinGen PAH ACMG Specifications v1. Collection method: curation. Allele origin: germline. Inheritance: Autosomal recessive inheritance.
Comment: The NM_000277.3(PAH):c.228G>C variant in PAH is a missense variant predicted to cause substitution of glutamic acid by aspartic acid at amnio acid 76 (p.Glu76Asp). At least one patient with this variant displayed plasma phenylalanine concentration persistently above 120umol/L (2mg/dL) AND sequencing of genes in the BH4 cofactor metabolism pathway to exclude a defect of BH4 cofactor metabolism, which is highly specific for Phenylketonuria (PMID: 19394257, PP4_Moderate). This variant is absent from gnomAD v4.1.0 (PM2_Supporting). 2 different missense variants, p.Glu76Ala and p.Glu76Gly in the same codon have been classified as pathogenic/likely pathogenic for PAH deficiency by the ClinGen PAH Variant Curation Expert Panel (PM5). In summary, this variant meets the criteria to be classified as uncertain significance for autosomal recessive Phenylketonuria based on the ACMG/AMP criteria applied, as specified by the ClinGen Phenylketonuria VCEP: PP4_moderate, PM5, PM2_supporting (Version 2.0, 7/16/2024).